The following is an entry in ClinVar:

ClinVar aggregate classification (germline): Uncertain significance (1 of 4 stars; one submission).

Conditions:
Pulmonary hypertension, primary, 4. Identifiers: Orphanet 422, MedGen C3809198, MONDO:0014136, OMIM 615344.

Allele frequency attached by ClinVar (database versions not stated): gnomAD exomes below 0.00001.

Submission:

Labcorp Genetics (formerly Invitae), Labcorp
Classification: Uncertain significance for Pulmonary hypertension, primary, 4. Last evaluated: 2022-12-13. Review status: criteria provided, single submitter. Criteria: Invitae Variant Classification Sherloc (09022015). Collection method: clinical testing. Allele origin: germline.
Comment: In summary, the available evidence is currently insufficient to determine the role of this variant in disease. Therefore, it has been classified as a Variant of Uncertain Significance. Advanced modeling of protein sequence and biophysical properties (such as structural, functional, and spatial information, amino acid conservation, physicochemical variation, residue mobility, and thermodynamic stability) performed at Invitae indicates that this missense variant is expected to disrupt KCNK3 protein function. This variant has not been reported in the literature in individuals affected with KCNK3-related conditions. This variant is present in population databases (no rsID available, gnomAD 0.001%). This sequence change replaces aspartic acid, which is acidic and polar, with asparagine, which is neutral and polar, at codon 257 of the KCNK3 protein (p.Asp257Asn).

NM_002246.3(KCNK3):c.769G>A (p.Asp257Asn)

Gene: KCNK3 (potassium two pore domain channel subfamily K member 3; plus strand). Cytogenetic location: 2p23.3.
Variant type: single nucleotide variant.
Coding change: c.769G>A on transcript NM_002246.3 (MANE Select); coding-DNA position 769, G replaced by A.
Protein change: p.Asp257Asn; replaces aspartic acid 257 with asparagine.
Molecular consequence: missense variant.
Genome position (GRCh38, 1-based): chr2:26,728,152, G>A. VCF-style: chr2-26728152-G-A. GRCh37 (hg19) VCF-style: chr2-26951020-G-A.
Other names: short protein forms D257N.
Identifiers: ClinVar variation 2867972 (VCV002867972.3), dbSNP rs1213830485, ClinGen allele CA346262737.